The following is an entry in ClinVar:

NM_007294.4(BRCA1):c.1662G>C (p.Glu554Asp)

Gene: BRCA1 (BRCA1 DNA repair associated; minus strand). Cytogenetic location: 17q21.31.
Variant type: single nucleotide variant.
Coding change: c.1662G>C on transcript NM_007294.4 (MANE Select); coding-DNA position 1662, G replaced by C.
Protein change: p.Glu554Asp; replaces glutamic acid 554 with aspartic acid.
Molecular consequence: missense variant. On other transcripts: intron variant (137).
Genome position (GRCh38, 1-based): chr17:43,093,869, C>G on the plus strand (G>C on the coding strand, the complement: BRCA1 is on the minus strand). VCF-style: chr17-43093869-C-G. GRCh37 (hg19) VCF-style: chr17-41245886-C-G.
Other names: c.1449G>C, p.Glu483Asp (NM_001407571.1, NM_001407853.1, NM_001407894.1 and 9 more transcripts); c.1662G>C, p.Glu554Asp (NM_001407581.1, NM_001407582.1, NM_001407583.1 and 30 more transcripts); c.1659G>C, p.Glu553Asp (NM_001407587.1, NM_001407590.1, NM_001407591.1 and 22 more transcripts); c.1584G>C, p.Glu528Asp (NM_001407658.1, NM_001407663.1, NM_001407653.1 and 4 more transcripts); c.1581G>C, p.Glu527Asp (NM_001407659.1, NM_001407660.1, NM_001407661.1 and 1 more transcripts); c.1539G>C, p.Glu513Asp (NM_001407664.1, NM_001407665.1, NM_001407666.1 and 19 more transcripts); c.1536G>C, p.Glu512Asp (NM_001407685.1, NM_001407940.1, NM_001407941.1 and 11 more transcripts); c.1521G>C, p.Glu507Asp (NM_001407697.1, NM_001407698.1, NM_001407724.1 and 29 more transcripts); and 41 more; short protein forms E554D, E507D, E465D, E466D, E506D, E513D, E258D, E386D.
Identifiers: ClinVar variation 231215 (VCV000231215.27), dbSNP rs876659028, ClinGen allele CA10580659.
Genomic context (GRCh38, chr17:43,093,869, plus strand): 5'-GAGTGATTCTATTGGGTTAGGATTTTTCTCATTCTGAATAGAATCACCTTTTGTTTTATT[C>G]TCATGACCACTATTAGTAATATTCATCACTTGACCATTCTGCTCCGTTTGGTTAGTTCCC-3'
Protein context (NP_009225.1, residues 544-564): QVMNITNSGH[Glu554Asp]NKTKGDSIQN

ClinVar aggregate classification (germline): Conflicting classifications of pathogenicity. Review status: criteria provided, conflicting classifications (1 of 4 stars). 8 submissions from 8 submitters: Uncertain significance (7); Likely benign (1). Last evaluated 2024-09-05.

Conditions:
Hereditary cancer-predisposing syndrome. Also called: Tumor predisposition; Hereditary Cancer Syndrome; Neoplastic Syndromes, Hereditary; Hereditary neoplastic syndrome. Identifiers: Orphanet 140162, MedGen C0027672, MeSH D009386, MONDO:0015356.
Breast-ovarian cancer, familial, susceptibility to, 1 (BROVCA1). Also called: BRCA1 Hereditary Breast and Ovarian Cancer; OVARIAN CANCER, SUSCEPTIBILITY TO. Identifiers: Orphanet 145, MedGen C2676676, MONDO:0011450, OMIM 604370. Disease mechanism: loss of function.
Pancreatic cancer, susceptibility to, 4. Identifiers: Orphanet 1333, MedGen C3280442, MONDO:0013685, OMIM 614320.
Familial cancer of breast. Also called: BREAST CANCER, FAMILIAL; hereditary breast carcinoma; Hereditary breast cancer. Identifiers: Orphanet 227535, MedGen C0346153, MONDO:0016419, OMIM 114480. Disease mechanism: loss of function.
Fanconi anemia, complementation group S (FANCS). Identifiers: MedGen C4554406, MONDO:0054748, OMIM 617883.
Hereditary breast ovarian cancer syndrome. Also called: Breast and ovarian cancer; Hereditary breast and ovarian cancer; Hereditary breast and ovarian cancer syndrome; Hereditary breast and/or ovarian cancer syndrome; BRCA1- and BRCA2-Associated Hereditary Breast and Ovarian Cancer; Hereditary breast and ovarian cancer syndrome (HBOC). Identifiers: Orphanet 145, MedGen C0677776, MeSH D061325, MONDO:0003582. Disease mechanism: loss of function.

Allele frequency attached by ClinVar (database versions not stated): TOPMed below 0.00001.

Submissions (8):

Labcorp Genetics (formerly Invitae), Labcorp
Classification: Uncertain significance for Hereditary breast ovarian cancer syndrome. Last evaluated: 2024-09-05. Review status: criteria provided, single submitter. Criteria: Invitae Variant Classification Sherloc (09022015). Collection method: clinical testing. Allele origin: germline.
Comment: This sequence change replaces glutamic acid, which is acidic and polar, with aspartic acid, which is acidic and polar, at codon 554 of the BRCA1 protein (p.Glu554Asp). This variant is not present in population databases (gnomAD no frequency). This variant has not been reported in the literature in individuals affected with BRCA1-related conditions. This variant is also known as c.1781G>C. ClinVar contains an entry for this variant (Variation ID: 231215). Invitae Evidence Modeling of protein sequence and biophysical properties (such as structural, functional, and spatial information, amino acid conservation, physicochemical variation, residue mobility, and thermodynamic stability) indicates that this missense variant is not expected to disrupt BRCA1 protein function with a negative predictive value of 95%. In summary, the available evidence is currently insufficient to determine the role of this variant in disease. Therefore, it has been classified as a Variant of Uncertain Significance.

Ambry Genetics
Classification: Uncertain significance for Hereditary cancer-predisposing syndrome. Last evaluated: 2024-06-28. Review status: criteria provided, single submitter. Criteria: Ambry Variant Classification Scheme 2023. Collection method: clinical testing. Allele origin: germline.
Comment: The p.E554D variant (also known as c.1662G>C), located in coding exon 9 of the BRCA1 gene, results from a G to C substitution at nucleotide position 1662. The glutamic acid at codon 554 is replaced by aspartic acid, an amino acid with highly similar properties. This amino acid position is well conserved in available vertebrate species. In addition, this alteration is predicted to be deleterious by in silico analysis. Since supporting evidence is limited at this time, the clinical significance of this alteration remains unclear.

KCCC/NGS Laboratory, Kuwait Cancer Control Center
Classification: Uncertain significance for Breast-ovarian cancer, familial, susceptibility to, 1. Last evaluated: 2023-06-14. Review status: criteria provided, single submitter. Criteria: ACMG Guidelines, 2015. Collection method: clinical testing. Allele origin: unknown. Inheritance: Autosomal dominant inheritance. Affected: yes. Observed: 1 heterozygote.
Comment: a variant of uncertain significance was detected in the BRCA1 gene (c.1662G>C).This sequence change replaces glutamic acid, which is acidic and polar, with aspartic acid, which is acidic and polar, at codon 554 of the BRCA1 protein (p.Glu554Asp). This variant is not present in population databases (gnomAD no frequency). This variant has not been reported in the literature in individuals affected with BRCA1-related conditions. This variant is also known as c.1781G>C. ClinVar contains an entry for this variant (Variation ID: 231215). This amino acid position is not conserved (PhyloP=0.8) . In silico analysis supports that this missense variant has a deleterious effect on protein structure/function based on Sift , PolyPhen, MVP, Mutation assessor, M-Cap , FATHMM, BayesDel and MetaLR . In summary, the available evidence is currently insufficient to determine the role of this variant in disease. Therefore, it has been classified as a Variant of Uncertain Significance.

GeneDx
Classification: Uncertain significance. Last evaluated: 2023-04-13. Review status: criteria provided, single submitter. Criteria: GeneDx Variant Classification Process June 2021. Collection method: clinical testing. Allele origin: germline. Affected: yes.
Comment: Observed in an individual with breast cancer in published literature (Abdel-Razeq et al., 2022); In silico analysis supports that this missense variant has a deleterious effect on protein structure/function; Not observed at significant frequency in large population cohorts (gnomAD); Also known as 1781G>C; This variant is associated with the following publications: (PMID: 35402282, 15343273, 31911673, 29884841, 33712364, 32377563)

University of Washington Department of Laboratory Medicine, University of Washington
Classification: Likely benign for Hereditary cancer-predisposing syndrome. Last evaluated: 2023-03-23. Review status: criteria provided, single submitter. Criteria: Dines et al. (Genet Med. 2020). Collection method: curation. Allele origin: germline.
Comment: Missense variant in a coldspot region where missense variants are very unlikely to be pathogenic (PMID:31911673).

BRCA1 coldspot (exon 11 using historical exon numbering). Reclassification based on statistical prior probability

Fulgent Genetics
Classification: Uncertain significance for Familial cancer of breast; Breast-ovarian cancer, familial, susceptibility to, 1; Pancreatic cancer, susceptibility to, 4; Fanconi anemia, complementation group S. Last evaluated: 2022-03-18. Review status: criteria provided, single submitter. Criteria: ACMG Guidelines, 2015. Collection method: clinical testing. Allele origin: unknown.

Women's Health and Genetics/Laboratory Corporation of America, LabCorp
Classification: Uncertain significance. Last evaluated: 2021-06-03. Review status: criteria provided, single submitter. Criteria: LabCorp Variant Classification Summary - May 2015. Collection method: clinical testing. Allele origin: germline.
Comment: Variant summary: BRCA1 c.1662G>C (p.Glu554Asp) results in a conservative amino acid change in the encoded protein sequence. Three of five in-silico tools predict a benign effect of the variant on protein function. The variant was absent in 250846 control chromosomes. The available data on variant occurrences in the general population are insufficient to allow any conclusion about variant significance. To our knowledge, no occurrence of c.1662G>C in individuals affected with Hereditary Breast And Ovarian Cancer Syndrome and no experimental evidence demonstrating its impact on protein function have been reported. Three clinical diagnostic laboratories have submitted clinical-significance assessments for this variant to ClinVar after 2014 without evidence for independent evaluation. All laboratories cited the variant as uncertain significance. Based on the evidence outlined above, the variant was classified as uncertain significance.

Color Diagnostics, LLC DBA Color Health
Classification: Uncertain significance for Hereditary cancer-predisposing syndrome. Last evaluated: 2020-02-03. Review status: criteria provided, single submitter. Criteria: ACMG Guidelines, 2015. Collection method: clinical testing. Allele origin: germline.
Comment: This missense variant replaces glutamic acid with aspartic acid at codon 554 of the BRCA1 protein. Computational prediction is inconclusive regarding the impact of this variant on protein structure and function (internally defined REVEL score threshold 0.5 < inconclusive < 0.7, PMID: 27666373). Splice site prediction tools suggest that this variant may not impact RNA splicing. To our knowledge, functional studies have not been performed for this variant. This variant has not been reported in individuals affected with hereditary cancer in the literature. This variant has not been identified in the general population by the Genome Aggregation Database (gnomAD). The available evidence is insufficient to determine the role of this variant in disease conclusively. Therefore, this variant is classified as a Variant of Uncertain Significance.